The following is an entry in ClinVar:

NM_014324.6(AMACR):c.740-12_740-2delinsTGGACTTGGACTT

Genes: AMACR (alpha-methylacyl-CoA racemase; minus strand), C1QTNF3-AMACR (C1QTNF3-AMACR readthrough (NMD candidate); minus strand). Cytogenetic location: 5p13.2.
Variant type: Indel.
Coding change: c.740-12_740-2delinsTGGACTTGGACTT on transcript NM_014324.6 (MANE Select); 12 bases into the intron before coding-DNA position 740 through the canonical splice acceptor site of the intron before coding-DNA position 740, ATTTTTCCTCA replaced by TGGACTTGGACTT.
Molecular consequence: splice acceptor variant.
Genome position (GRCh38, 1-based): chr5:33,989,504-33,989,514, TGAGGAAAAAT replaced by AAGTCCAAGTCCA on the plus strand (ATTTTTCCTCA replaced by TGGACTTGGACTT on the coding strand, the reverse complement: AMACR is on the minus strand). VCF-style: chr5-33989504-TGAGGAAAAAT-AAGTCCAAGTCCA. GRCh37 (hg19) VCF-style: chr5-33989609-TGAGGAAAAAT-AAGTCCAAGTCCA.
Other names: c.579-12_579-2delinsTGGACTTGGACTT (NM_203382.3); c.740-12_740-2delinsTGGACTTGGACTT (NM_001167595.2).
Identifiers: ClinVar variation 4541037 (VCV004541037.1).

ClinVar aggregate classification (germline): Likely pathogenic (1 of 4 stars; one submission).

Submission:

Mayo Clinic Laboratories, Mayo Clinic
Classification: Likely pathogenic. Last evaluated: 2025-06-09. Review status: criteria provided, single submitter. Criteria: ACMG Guidelines, 2015. Collection method: clinical testing. Allele origin: germline. Observed: 1 variant allele.
Comment: PM2_supporting, PVS1_strong